The following is an entry in ClinVar:

ClinVar aggregate classification (germline): Uncertain significance. Review status: criteria provided, multiple submitters, no conflicts (2 of 4 stars). 5 submissions from 4 submitters: Uncertain significance (5). Last evaluated 2024-03-25.

Conditions:
Meckel-Gruber syndrome. Also called: Dysencephalia splachnocystica; DYSENCEPHALIA SPLANCHNOCYSTICA; GRUBER SYNDROME. Identifiers: Orphanet 564, MedGen C0265215, MONDO:0018921.
Joubert syndrome. Also called: Familial aplasia of the vermis; JOUBERT-BOLTSHAUSER SYNDROME. Identifiers: Orphanet 475, MedGen C5979921, MONDO:0018772.
Joubert syndrome 9 (JBTS9). Identifiers: Orphanet 2318, MedGen C2676788, MONDO:0012849, OMIM 612285.
Meckel syndrome, type 6. Identifiers: Orphanet 564, MedGen C2676790, MONDO:0012848, OMIM 612284.
Retinitis pigmentosa 93. Identifiers: MedGen C5676970, MONDO:0030797, OMIM 619845.
COACH syndrome 2. Identifiers: MedGen C5436837, MONDO:0030859, OMIM 619111.

Allele frequency attached by ClinVar (database versions not stated): gnomAD exomes 0.00002 and 0.00004; ExAC 0.00003; TOPMed 0.00003; gnomAD 0.00005 and 0.00006; 1000 Genomes Project 30x 0.00016; 1000 Genomes Project 0.00020.
gnomAD v4.1: 34 of 1,611,386 alleles (0.0021%); highest among the groups gnomAD compares: Admixed American, 0.023%; no homozygotes.

Submissions (5):

Fulgent Genetics
Classification: Uncertain significance for Meckel syndrome, type 6; Joubert syndrome 9; COACH syndrome 2; Retinitis pigmentosa 93. Last evaluated: 2024-03-25. Review status: criteria provided, single submitter. Criteria: ACMG Guidelines, 2015. Collection method: clinical testing. Allele origin: germline.

Labcorp Genetics (formerly Invitae), Labcorp
Classification: Uncertain significance for Joubert syndrome; Meckel-Gruber syndrome. Last evaluated: 2022-10-24. Review status: criteria provided, single submitter. Criteria: Invitae Variant Classification Sherloc (09022015). Collection method: clinical testing. Allele origin: germline.
Comment: This sequence change replaces alanine, which is neutral and non-polar, with glutamic acid, which is acidic and polar, at codon 1059 of the CC2D2A protein (p.Ala1059Glu). This variant is present in population databases (rs200034384, gnomAD 0.02%). This variant has not been reported in the literature in individuals affected with CC2D2A-related conditions. ClinVar contains an entry for this variant (Variation ID: 597815). Algorithms developed to predict the effect of missense changes on protein structure and function (SIFT, PolyPhen-2, Align-GVGD) all suggest that this variant is likely to be tolerated. In summary, the available evidence is currently insufficient to determine the role of this variant in disease. Therefore, it has been classified as a Variant of Uncertain Significance.

Eurofins Ntd Llc (ga)
Classification: Uncertain significance. Last evaluated: 2018-06-26. Review status: criteria provided, single submitter. Criteria: EGL ClinVar v180209 classification definitions. Collection method: clinical testing. Allele origin: germline. Observed: 1 variant allele, 1 heterozygote.

Illumina Laboratory Services, Illumina
Classification: Uncertain significance for Joubert syndrome 9. Last evaluated: 2018-01-13. Review status: criteria provided, single submitter. Criteria: ICSL Variant Classification Criteria 13 December 2019. Collection method: clinical testing. Allele origin: germline.

Illumina Laboratory Services, Illumina
Classification: Uncertain significance for Meckel syndrome, type 6. Last evaluated: 2018-01-13. Review status: criteria provided, single submitter. Criteria: ICSL Variant Classification Criteria 13 December 2019. Collection method: clinical testing. Allele origin: germline.

NM_001378615.1(CC2D2A):c.3176C>A (p.Ala1059Glu)

Genes: CC2D2A (coiled-coil and C2 domain containing 2A; plus strand), FBXL5 (F-box and leucine rich repeat protein 5; minus strand). Cytogenetic location: 4p15.32.
Variant type: single nucleotide variant.
Coding change: c.3176C>A on transcript NM_001378615.1 (MANE Select); coding-DNA position 3176, C replaced by A.
Protein change: p.Ala1059Glu; replaces alanine 1059 with glutamic acid.
Molecular consequence: missense variant.
Genome position (GRCh38, 1-based): chr4:15,563,516, C>A. VCF-style: chr4-15563516-C-A. GRCh37 (hg19) VCF-style: chr4-15565139-C-A.
Other names: c.3176C>A, p.Ala1059Glu (NM_001080522.2); c.3029C>A, p.Ala1010Glu (NM_001378617.1); short protein forms A1059E, A1010E.
Identifiers: ClinVar variation 597815 (VCV000597815.14), dbSNP rs200034384, ClinGen allele CA2864091.